The following is an entry in ClinVar:

ClinVar aggregate classification (germline): Uncertain significance (1 of 4 stars; one submission).

Conditions:
Peutz-Jeghers syndrome (PJS). Also called: POLYPOSIS, HAMARTOMATOUS INTESTINAL; POLYPS-AND-SPOTS SYNDROME; Peutz-Jeghers polyposis; Periorificial lentiginosis syndrome. Identifiers: Orphanet 2869, MedGen C0031269, MeSH D010580, MONDO:0008280, OMIM 175200.

Allele frequency attached by ClinVar (database versions not stated): TOPMed below 0.00001.

Submission:

Labcorp Genetics (formerly Invitae), Labcorp
Classification: Uncertain significance for Peutz-Jeghers syndrome. Last evaluated: 2023-04-20. Review status: criteria provided, single submitter. Criteria: Invitae Variant Classification Sherloc (09022015). Collection method: clinical testing. Allele origin: germline.
Comment: In summary, the available evidence is currently insufficient to determine the role of this variant in disease. Therefore, it has been classified as a Variant of Uncertain Significance. Variants that disrupt the consensus splice site are a relatively common cause of aberrant splicing (PMID: 17576681, 9536098). RNA analysis provides insufficient evidence to determine the effect of this variant on STK11 splicing (Invitae). This variant has not been reported in the literature in individuals affected with STK11-related conditions. This variant is not present in population databases (gnomAD no frequency). This sequence change falls in intron 1 of the STK11 gene. It does not directly change the encoded amino acid sequence of the STK11 protein. It affects a nucleotide within the consensus splice site.

Literature cited by the submitters: PubMed 17576681; PubMed 9536098.

NM_000455.5(STK11):c.290+6T>C

Gene: STK11 (serine/threonine kinase 11; plus strand). Cytogenetic location: 19p13.3.
Variant type: single nucleotide variant.
Coding change: c.290+6T>C on transcript NM_000455.5 (MANE Select); 6 bases into the intron after coding-DNA position 290, T replaced by C.
Molecular consequence: intron variant.
Genome position (GRCh38, 1-based): chr19:1,207,209, T>C. VCF-style: chr19-1207209-T-C. GRCh37 (hg19) VCF-style: chr19-1207208-T-C.
Other names: c.290+6T>C (NM_001407255.1).
Identifiers: ClinVar variation 2855434 (VCV002855434.3), dbSNP rs2080673726, ClinGen allele CA2317581754.